The following is an entry in ClinVar:

ClinVar aggregate classification (germline): Likely benign. Review status: criteria provided, multiple submitters, no conflicts (2 of 4 stars). 5 submissions from 5 submitters: Likely benign (3). 2 of the submissions do not count toward it. Last evaluated 2025-03-30.

Conditions:
Hypertrophic cardiomyopathy 19. Also called: Familial hypertrophic cardiomyopathy 19. Identifiers: MedGen CN077603, MONDO:0013476.

Allele frequency attached by ClinVar (database versions not stated): gnomAD exomes 0.00004; ExAC 0.00006; TOPMed 0.00007; gnomAD 0.00011; 1000 Genomes Project 30x 0.00016; 1000 Genomes Project 0.00020; ESP Exome Variant Server 0.00023.
gnomAD v4.1: 173 of 1,614,074 alleles (0.011%); highest among the groups gnomAD compares: Non-Finnish European, 0.013%; no homozygotes.

Submissions (5):

Labcorp Genetics (formerly Invitae), Labcorp
Classification: Likely benign for Hypertrophic cardiomyopathy 19. Last evaluated: 2025-03-30. Review status: criteria provided, single submitter. Criteria: Invitae Variant Classification Sherloc (09022015). Collection method: clinical testing. Allele origin: germline.

Blueprint Genetics
Classification: Likely benign. Last evaluated: 2023-08-07. Review status: criteria provided, single submitter. Criteria: ACMG Guidelines, 2015. Collection method: clinical testing. Allele origin: germline.

CeGaT Center for Human Genetics Tuebingen
Classification: Likely benign. Last evaluated: 2022-11-01. Review status: criteria provided, single submitter. Criteria: CeGaT Center For Human Genetics Tuebingen Variant Classification Criteria Version 2. Collection method: clinical testing. Allele origin: germline. Affected: yes. Observed: 1 variant allele.
Comment: CALR3: BP4, BP7

Clinical Genetics, Academic Medical Center
Classification: Benign. Review status: no assertion criteria provided. Collection method: clinical testing. Allele origin: germline. Affected: yes. Study: VKGL Data-share Consensus. Not counted in ClinVar's aggregate classification.

Diagnostic Laboratory, Department of Genetics, University Medical Center Groningen
Classification: Likely benign. Review status: no assertion criteria provided. Collection method: clinical testing. Allele origin: germline. Affected: yes. Study: VKGL Data-share Consensus. Not counted in ClinVar's aggregate classification.

NM_145046.5(CALR3):c.378G>A (p.Ser126=)

Gene: CALR3 (calreticulin 3; minus strand). Cytogenetic location: 19p13.11.
Variant type: single nucleotide variant.
Coding change: c.378G>A on transcript NM_145046.5 (MANE Select); coding-DNA position 378, G replaced by A.
Protein change: p.Ser126=; no amino-acid change (serine 126 retained).
Molecular consequence: synonymous variant.
Genome position (GRCh38, 1-based): chr19:16,490,386, C>T on the plus strand (G>A on the coding strand, the complement: CALR3 is on the minus strand). VCF-style: chr19-16490386-C-T. GRCh37 (hg19) VCF-style: chr19-16601197-C-T.
Identifiers: ClinVar variation 1142237 (VCV001142237.36), dbSNP rs374869347, ClinGen allele CA9278436.